The following is an entry in ClinVar:

NC_000017.10:g.(?_41201118)_(41209172_?)dup

Gene: BRCA1 (BRCA1 DNA repair associated; minus strand). Cytogenetic location: 17q21.31.
Variant type: Duplication.
Identifiers: ClinVar variation 3243006 (VCV003243006.1).

ClinVar aggregate classification (germline): Uncertain significance (1 of 4 stars; one submission).

Conditions:
Hereditary breast ovarian cancer syndrome. Also called: Hereditary breast and ovarian cancer syndrome; Hereditary breast and ovarian cancer; Hereditary breast and ovarian cancer syndrome (HBOC); Breast and ovarian cancer; Hereditary breast and/or ovarian cancer syndrome; BRCA1- and BRCA2-Associated Hereditary Breast and Ovarian Cancer. Identifiers: Orphanet 145, MedGen C0677776, MeSH D061325, MONDO:0003582. Disease mechanism: loss of function.

Submission:

Labcorp Genetics (formerly Invitae), Labcorp
Classification: Uncertain significance for Hereditary breast ovarian cancer syndrome. Last evaluated: 2023-01-20. Review status: criteria provided, single submitter. Criteria: Invitae Variant Classification Sherloc (09022015). Collection method: clinical testing. Allele origin: unknown.
Comment: This variant results in a copy number gain of the genomic region encompassing exon(s) 19-21 of the BRCA1 gene. While the exact position of this variant cannot be determined from the data, sub-genic copy number gains are generally in tandem (PMID: 25640679). This variant is predicted to be in-frame, and likely preserves the integrity of the reading frame. In summary, the available evidence is currently insufficient to determine the role of this variant in disease. Therefore, it has been classified as a Variant of Uncertain Significance. Experimental studies and prediction algorithms are not available or were not evaluated, and the functional significance of this variant is currently unknown. This variant has not been reported in the literature in individuals affected with BRCA1-related conditions.

Literature cited by the submitters: PubMed 25640679.